The following is an entry in ClinVar:

NM_001353803.2(ZNF875):c.257-2427A>G

Gene: ZNF875 (zinc finger protein 875; plus strand). Cytogenetic location: 19q13.12.
Variant type: single nucleotide variant.
Coding change: c.257-2427A>G on transcript NM_001353803.2 (MANE Select); 2427 bases into the intron before coding-DNA position 257, A replaced by G.
Molecular consequence: intron variant. On other transcripts: synonymous variant (1).
Genome position (GRCh38, 1-based): chr19:37,359,682, A>G. VCF-style: chr19-37359682-A-G. GRCh37 (hg19) VCF-style: chr19-37850584-A-G.
Other names: c.513A>G, p.Ala171= (NM_001353804.2); c.239-2424A>G (NM_001329765.2, NM_001329766.2); c.239-2427A>G (NM_001329767.2); c.197-2424A>G (NM_001329770.2); c.257-2427A>G (NM_001329763.2, NM_001329764.2); c.131-2424A>G (NM_001329771.2, NM_001329772.2, NM_001329773.2); c.131-2427A>G (NM_001329774.2, NM_001329775.2, NM_001329777.2 and 2 more transcripts); c.314-2427A>G (NM_181786.4); and 4 more.
Identifiers: ClinVar variation 2649771 (VCV002649771.24), dbSNP rs374167656, ClinGen allele CA307958567.

ClinVar aggregate classification (germline): Likely benign (1 of 4 stars; one submission).

Submission:

CeGaT Center for Human Genetics Tuebingen
Classification: Likely benign. Last evaluated: 2023-03-01. Review status: criteria provided, single submitter. Criteria: CeGaT Center For Human Genetics Tuebingen Variant Classification Criteria Version 2. Collection method: clinical testing. Allele origin: germline. Affected: yes. Observed: 2 variant alleles.
Comment: ZNF875: BP4, BP7